The following is an entry in ClinVar:

NM_021969.3(NR0B2):c.250C>G (p.Gln84Glu)

Genes: NR0B2 (nuclear receptor subfamily 0 group B member 2; minus strand), NUDC (nuclear distribution C, dynein complex regulator; plus strand). Cytogenetic location: 1p36.11.
Variant type: single nucleotide variant.
Coding change: c.250C>G on transcript NM_021969.3 (MANE Select); coding-DNA position 250, C replaced by G.
Protein change: p.Gln84Glu; replaces glutamine 84 with glutamic acid.
Molecular consequence: missense variant.
Genome position (GRCh38, 1-based): chr1:26,913,691, G>C on the plus strand (C>G on the coding strand, the complement: NR0B2 is on the minus strand). VCF-style: chr1-26913691-G-C. GRCh37 (hg19) VCF-style: chr1-27240182-G-C.
Other names: c.250C>G (NM_021969.2); short protein forms Q84E.
Identifiers: ClinVar variation 1901134 (VCV001901134.6), dbSNP rs1327866399, ClinGen allele CA339191943.

ClinVar aggregate classification (germline): Uncertain significance. Review status: criteria provided, multiple submitters, no conflicts (2 of 4 stars). 2 submissions from 2 submitters: Uncertain significance (2). Last evaluated 2025-06-25.

Allele frequency attached by ClinVar (database versions not stated): TOPMed below 0.00001.
gnomAD v4.1: 4 of 1,611,318 alleles (0.00025%); highest among the groups gnomAD compares: African/African-American, 0.0053%; no homozygotes.

Submissions (2):

Ambry Genetics
Classification: Uncertain significance. Last evaluated: 2025-06-25. Review status: criteria provided, single submitter. Criteria: Ambry Variant Classification Scheme 2023. Collection method: clinical testing. Allele origin: germline.

Labcorp Genetics (formerly Invitae), Labcorp
Classification: Uncertain significance. Last evaluated: 2022-06-19. Review status: criteria provided, single submitter. Criteria: Invitae Variant Classification Sherloc (09022015). Collection method: clinical testing. Allele origin: germline.
Comment: In summary, the available evidence is currently insufficient to determine the role of this variant in disease. Therefore, it has been classified as a Variant of Uncertain Significance. Algorithms developed to predict the effect of missense changes on protein structure and function are either unavailable or do not agree on the potential impact of this missense change (SIFT: "Deleterious"; PolyPhen-2: "Possibly Damaging"; Align-GVGD: "Class C0"). This variant has not been reported in the literature in individuals affected with NR0B2-related conditions. This variant is present in population databases (no rsID available, gnomAD 0.01%). This sequence change replaces glutamine, which is neutral and polar, with glutamic acid, which is acidic and polar, at codon 84 of the NR0B2 protein (p.Gln84Glu).